The following is an entry in ClinVar:

NM_003998.4(NFKB1):c.2785G>A (p.Gly929Ser)

Gene: NFKB1 (nuclear factor kappa B subunit 1; plus strand). Cytogenetic location: 4q24.
Variant type: single nucleotide variant.
Coding change: c.2785G>A on transcript NM_003998.4 (MANE Select); coding-DNA position 2785, G replaced by A.
Protein change: p.Gly929Ser; replaces glycine 929 with serine.
Molecular consequence: missense variant.
Genome position (GRCh38, 1-based): chr4:102,616,469, G>A. VCF-style: chr4-102616469-G-A. GRCh37 (hg19) VCF-style: chr4-103537626-G-A.
Other names: c.2782G>A, p.Gly928Ser (NM_001165412.2, NM_001319226.2, NM_001382627.1); c.2785G>A, p.Gly929Ser (NM_001382625.1, NM_001382626.1); c.2743G>A, p.Gly915Ser (NM_001382628.1); short protein forms G928S, G929S, G915S.
Identifiers: ClinVar variation 2048720 (VCV002048720.4), dbSNP rs913373928, ClinGen allele CA102693468.
Genomic context (GRCh38, chr4:102,616,469, plus strand): 5'-GTGAATTTGTGCTTTCTCCCCTCAGACGAGCTCCGAGACAGTGACAGTGTCTGCGACAGC[G>A]GCGTGGAGACATCCTTCCGCAAACTCAGCTTTACCGAGTCTCTGACCAGTGGTGCCTCAC-3'
Protein context (NP_003989.2, residues 919-939): LRDSDSVCDS[Gly929Ser]VETSFRKLSF

ClinVar aggregate classification (germline): Uncertain significance (1 of 4 stars; one submission).

Allele frequency attached by ClinVar (database versions not stated): gnomAD exomes below 0.00001; TOPMed below 0.00001.
gnomAD v4.1: 2 of 1,614,040 alleles (0.00012%); highest among the groups gnomAD compares: Non-Finnish European, 0.00017%; no homozygotes.

Submission:

Labcorp Genetics (formerly Invitae), Labcorp
Classification: Uncertain significance. Last evaluated: 2024-06-19. Review status: criteria provided, single submitter. Criteria: Invitae Variant Classification Sherloc (09022015). Collection method: clinical testing. Allele origin: germline.
Comment: This sequence change replaces glycine, which is neutral and non-polar, with serine, which is neutral and polar, at codon 929 of the NFKB1 protein (p.Gly929Ser). This variant is present in population databases (no rsID available, gnomAD 0.0009%). This variant has not been reported in the literature in individuals affected with NFKB1-related conditions. ClinVar contains an entry for this variant (Variation ID: 2048720). An algorithm developed to predict the effect of missense changes on protein structure and function (PolyPhen-2) suggests that this variant is likely to be disruptive. In summary, the available evidence is currently insufficient to determine the role of this variant in disease. Therefore, it has been classified as a Variant of Uncertain Significance.